The following is an entry in ClinVar:

NM_006393.3(NEBL):c.941T>A (p.Met314Lys)

Gene: NEBL (nebulette; minus strand). Cytogenetic location: 10p12.31.
Variant type: single nucleotide variant.
Coding change: c.941T>A on transcript NM_006393.3 (MANE Select); coding-DNA position 941, T replaced by A.
Protein change: p.Met314Lys; replaces methionine 314 with lysine.
Molecular consequence: missense variant. On other transcripts: intron variant (9).
Genome position (GRCh38, 1-based): chr10:20,852,612, A>T on the plus strand (T>A on the coding strand, the complement: NEBL is on the minus strand). VCF-style: chr10-20852612-A-T. GRCh37 (hg19) VCF-style: chr10-21141541-A-T.
Other names: c.250-39672T>A (NM_001377326.1, NM_001377327.1, NM_001377328.1); c.358-39672T>A (NM_213569.2, NM_001173484.2, NM_001377322.1); c.301-39672T>A (NM_001377324.1); c.292-39672T>A (NM_001377325.1); c.310-39672T>A (NM_001377323.1); short protein forms M314K.
Identifiers: ClinVar variation 4711689 (VCV004711689.1).
Genomic context (GRCh38, chr10:20,852,612, plus strand): 5'-TGGAGGACGGCATTGCCTTTATGGTGCAGATGTTCCACAGCATCTGCATCAAAATGATAC[A>T]TTCCTTTGTTTTCCTCAAAGAGCTTTTTATATTCTCGCTAAAATACAGAATGGGGAAATC-3'
Protein context (NP_006384.1, residues 304-324): YKKLFEENKG[Met314Lys]YHFDADAVEH

ClinVar aggregate classification (germline): Uncertain significance (1 of 4 stars; one submission).

Conditions:
Primary dilated cardiomyopathy (DCM). Also called: Dilated Cardiomyopathy. Identifiers: Orphanet 217604, MedGen C0007193, MeSH D002311, MONDO:0005021, HP:0001644. Inheritance: Various modes of inheritance.

Submission:

Labcorp Genetics (formerly Invitae), Labcorp
Classification: Uncertain significance for Primary dilated cardiomyopathy. Last evaluated: 2025-07-14. Review status: criteria provided, single submitter. Criteria: Invitae Variant Classification Sherloc (09022015). Collection method: clinical testing. Allele origin: germline.
Comment: This sequence change replaces methionine, which is neutral and non-polar, with lysine, which is basic and polar, at codon 314 of the NEBL protein (p.Met314Lys). This variant is not present in population databases (gnomAD no frequency). This variant has not been reported in the literature in individuals affected with NEBL-related conditions. An algorithm developed to predict the effect of missense changes on protein structure and function (PolyPhen-2) suggests that this variant is likely to be tolerated. In summary, the available evidence is currently insufficient to determine the role of this variant in disease. Therefore, it has been classified as a Variant of Uncertain Significance.